The following is an entry in ClinVar:

ClinVar aggregate classification (germline): Uncertain significance (1 of 4 stars; one submission).

Conditions:
Adams-Oliver syndrome 5 (AOS5). Identifiers: Orphanet 974, MedGen C4014970, MONDO:0014459, OMIM 616028.

Submission:

Labcorp Genetics (formerly Invitae), Labcorp
Classification: Uncertain significance for Adams-Oliver syndrome 5. Last evaluated: 2025-06-22. Review status: criteria provided, single submitter. Criteria: Invitae Variant Classification Sherloc (09022015). Collection method: clinical testing. Allele origin: germline.
Comment: This sequence change replaces glutamine, which is neutral and polar, with histidine, which is basic and polar, at codon 2398 of the NOTCH1 protein (p.Gln2398His). This variant is not present in population databases (gnomAD no frequency). This variant has not been reported in the literature in individuals affected with NOTCH1-related conditions. Invitae Evidence Modeling of protein sequence and biophysical properties (such as structural, functional, and spatial information, amino acid conservation, physicochemical variation, residue mobility, and thermodynamic stability) indicates that this missense variant is not expected to disrupt NOTCH1 protein function with a negative predictive value of 80%. In summary, the available evidence is currently insufficient to determine the role of this variant in disease. Therefore, it has been classified as a Variant of Uncertain Significance.

NM_017617.5(NOTCH1):c.7194G>T (p.Gln2398His)

Gene: NOTCH1 (notch receptor 1; minus strand). Cytogenetic location: 9q34.3.
Variant type: single nucleotide variant.
Coding change: c.7194G>T on transcript NM_017617.5 (MANE Select); coding-DNA position 7194, G replaced by T.
Protein change: p.Gln2398His; replaces glutamine 2398 with histidine.
Molecular consequence: missense variant.
Genome position (GRCh38, 1-based): chr9:136,496,545, C>A on the plus strand (G>T on the coding strand, the complement: NOTCH1 is on the minus strand). VCF-style: chr9-136496545-C-A. GRCh37 (hg19) VCF-style: chr9-139390997-C-A.
Other names: short protein forms Q2398H.
Identifiers: ClinVar variation 4797420 (VCV004797420.1).
Genomic context (GRCh38, chr9:136,496,545, plus strand): 5'-GTGCGGCTGTGGTGGTGGTGGTGGCGGCTGCAGGCTTTGCTGCTGCTGGATGTTTGCTGG[C>A]TGCAGGTTCTGCTGCTGCATCTGTAAGTTTTGTGGCTGCACCTGCTGGGTCTGCACCAGG-3'
Protein context (NP_060087.3, residues 2388-2408): QNLQMQQQNL[Gln2398His]PANIQQQQSL